The following is an entry in ClinVar:

NM_005235.3(ERBB4):c.2488-50G>A

Gene: ERBB4 (erb-b2 receptor tyrosine kinase 4; minus strand). Cytogenetic location: 2q34.
Variant type: single nucleotide variant.
Coding change: c.2488-50G>A on transcript NM_005235.3 (MANE Select); 50 bases into the intron before coding-DNA position 2488, G replaced by A.
Molecular consequence: intron variant.
Genome position (GRCh38, 1-based): chr2:211,431,150, C>T on the plus strand (G>A on the coding strand, the complement: ERBB4 is on the minus strand). VCF-style: chr2-211431150-C-T. GRCh37 (hg19) VCF-style: chr2-212295875-C-T.
Other names: c.2488-50G>A (NM_001042599.2); c.2458-50G>A (NM_001439006.1, NM_001439005.1).
Identifiers: ClinVar variation 1274049 (VCV001274049.4), dbSNP rs6710946, ClinGen allele CA2087721.

ClinVar aggregate classification (germline): Benign. Review status: criteria provided, multiple submitters, no conflicts (2 of 4 stars). 3 submissions from 3 submitters: Benign (3). Last evaluated 2024-07-15.

Allele frequency attached by ClinVar (database versions not stated): gnomAD exomes 0.71627 and 0.72722; ExAC 0.73350; gnomAD 0.77328 and 0.77521; TOPMed 0.78122; ESP Exome Variant Server 0.78284; 1000 Genomes Project 0.79353; 1000 Genomes Project 30x 0.79981.
gnomAD v4.1: 1,132,181 of 1,567,396 alleles (72%); highest among the groups gnomAD compares: African/African-American, 93%; 411,764 homozygotes.

Submissions (3):

Unidad de Genómica Garrahan, Hospital de Pediatría Garrahan
Classification: Benign. Last evaluated: 2024-07-15. Review status: criteria provided, single submitter. Criteria: ACMG Guidelines, 2015. Collection method: clinical testing. Allele origin: germline. Affected: no. Observed: 89 variant alleles.
Comment: This variant is classified as Benign based on local population frequency. This variant was detected in 96% of patients studied in a panel designed for Epileptic and Developmental Encephalopathy and Progressive Myoclonus Epilepsy. Number of patients: 89. Only high quality variants are reported.

GeneDx
Classification: Benign. Last evaluated: 2021-05-11. Review status: criteria provided, single submitter. Criteria: GeneDx Variant Classification Process June 2021. Collection method: clinical testing. Allele origin: germline. Affected: yes.

Breakthrough Genomics
Classification: Benign. Review status: criteria provided, single submitter. Criteria: ACMG Guidelines, 2015. Collection method: not provided. Allele origin: germline. Inheritance: Autosomal dominant inheritance. Affected: yes.